The following is an entry in ClinVar:

ClinVar aggregate classification (germline): Benign/Likely benign. Review status: criteria provided, multiple submitters, no conflicts (2 of 4 stars). 5 submissions from 5 submitters: Benign (1); Likely benign (4). Last evaluated 2026-01-06.

Conditions:
Tuberous sclerosis syndrome (TSC). Also called: Tuberous Sclerosis Complex; Tuberous sclerosis. Identifiers: Orphanet 805, MedGen C0041341, MONDO:0001734.
Hereditary cancer-predisposing syndrome. Also called: Hereditary neoplastic syndrome; Neoplastic Syndromes, Hereditary; Tumor predisposition; Hereditary Cancer Syndrome. Identifiers: Orphanet 140162, MedGen C0027672, MeSH D009386, MONDO:0015356.
Tuberous sclerosis 2 (TSC2). Identifiers: Orphanet 805, MedGen C1860707, MONDO:0013199, OMIM 613254.

Submissions (5):

Labcorp Genetics (formerly Invitae), Labcorp
Classification: Likely benign for Tuberous sclerosis 2. Last evaluated: 2026-01-06. Review status: criteria provided, single submitter. Criteria: Invitae Variant Classification Sherloc (09022015). Collection method: clinical testing. Allele origin: germline.

Myriad Genetics, Inc.
Classification: Benign for Tuberous sclerosis 2. Last evaluated: 2025-05-29. Review status: criteria provided, single submitter. Criteria: Myriad Autosomal Dominant, Autosomal Recessive and X-Linked Classification Criteria (2023). Collection method: clinical testing. Allele origin: unknown.
Comment: This variant is considered benign. This variant is a silent/synonymous amino acid change and it is not expected to impact splicing.

All of Us Research Program, National Institutes of Health
Classification: Likely benign for Tuberous sclerosis syndrome. Last evaluated: 2024-03-24. Review status: criteria provided, single submitter. Criteria: ACMG Guidelines, 2015. Collection method: clinical testing. Allele origin: germline. Inheritance: Autosomal dominant inheritance. Observed: 2 variant alleles, 2 heterozygotes.
Comment: This study involves interpretation of variants in research participants for the purpose of population health screening. Participant phenotype was not available at the time of variant classification. Additional details can be found in publication PMID: 35346344, PMCID: PMC8962531

Color Diagnostics, LLC DBA Color Health
Classification: Likely benign for Tuberous sclerosis syndrome. Last evaluated: 2023-07-20. Review status: criteria provided, single submitter. Criteria: ACMG Guidelines, 2015. Collection method: clinical testing. Allele origin: germline.

Ambry Genetics
Classification: Likely benign for Hereditary cancer-predisposing syndrome. Last evaluated: 2021-12-23. Review status: criteria provided, single submitter. Criteria: Ambry Variant Classification Scheme 2023. Collection method: clinical testing. Allele origin: germline.

NM_000548.5(TSC2):c.3555C>A (p.Ala1185=)

Gene: TSC2 (TSC complex subunit 2; plus strand). Cytogenetic location: 16p13.3.
Variant type: single nucleotide variant.
Coding change: c.3555C>A on transcript NM_000548.5 (MANE Select); coding-DNA position 3555, C replaced by A.
Protein change: p.Ala1185=; no amino-acid change (alanine 1185 retained).
Molecular consequence: synonymous variant.
Genome position (GRCh38, 1-based): chr16:2,080,322, C>A. VCF-style: chr16-2080322-C-A. GRCh37 (hg19) VCF-style: chr16-2130323-C-A.
Other names: c.3423C>A, p.Ala1141= (NM_001077183.3, NM_001370404.1); c.3555C>A, p.Ala1185= (NM_001114382.3); c.3315C>A, p.Ala1105= (NM_001318827.2); c.3279C>A, p.Ala1093= (NM_001318829.2); c.2823C>A, p.Ala941= (NM_001318831.2); c.3456C>A, p.Ala1152= (NM_001318832.2); c.3426C>A, p.Ala1142= (NM_001363528.2, NM_001370405.1, NM_021055.3).
Identifiers: ClinVar variation 468022 (VCV000468022.17), dbSNP rs745762286, ClinGen allele CA276746867.
Genomic context (GRCh38, chr16:2,080,322, plus strand): 5'-ACCTGAGAAGGCCTCAGCTGGCACCCGGGTTCCTGTGCAGGAGAAGACGAACCTGGCGGC[C>A]TATGTGCCCCTGCTGACCCAGGGCTGGGCGGAGATCCTGGTCCGGAGGCCCACAGGTACT-3'
Protein context (NP_000539.2, residues 1175-1195): VPVQEKTNLA[Ala1185=]YVPLLTQGWA